The following is an entry in ClinVar:

ClinVar aggregate classification (germline): Uncertain significance (1 of 4 stars; one submission).

Submission:

GeneDx
Classification: Uncertain significance. Last evaluated: 2023-03-17. Review status: criteria provided, single submitter. Criteria: GeneDx Variant Classification Process June 2021. Collection method: clinical testing. Allele origin: germline. Affected: yes.
Comment: Not observed at significant frequency in large population cohorts (gnomAD); Missense variants in this gene are often considered pathogenic (HGMD); In silico analysis supports that this missense variant has a deleterious effect on protein structure/function; Has not been previously published as pathogenic or benign to our knowledge; This substitution is predicted to be within the N-terminal cytoplasmic domain

NM_001040142.2(SCN2A):c.91G>A (p.Glu31Lys)

Gene: SCN2A (sodium voltage-gated channel alpha subunit 2; plus strand). Cytogenetic location: 2q24.3.
Variant type: single nucleotide variant.
Coding change: c.91G>A on transcript NM_001040142.2 (MANE Select); coding-DNA position 91, G replaced by A.
Protein change: p.Glu31Lys; replaces glutamic acid 31 with lysine.
Molecular consequence: missense variant.
Genome position (GRCh38, 1-based): chr2:165,295,914, G>A. VCF-style: chr2-165295914-G-A. GRCh37 (hg19) VCF-style: chr2-166152424-G-A.
Other names: c.91G>A, p.Glu31Lys (NM_001040143.2, NM_001371246.1, NM_001371247.1 and 1 more transcripts); short protein forms E31K.
Identifiers: ClinVar variation 2580091 (VCV002580091.1), dbSNP rs2467838141, ClinGen allele CA349009927.